The following is an entry in ClinVar:

ClinVar aggregate classification (germline): Conflicting classifications of pathogenicity. Review status: criteria provided, conflicting classifications (1 of 4 stars). 4 submissions from 4 submitters: Pathogenic (3); Uncertain significance (1). Last evaluated 2025-11-05.

Conditions:
Hereditary cancer-predisposing syndrome. Also called: Hereditary neoplastic syndrome; Neoplastic Syndromes, Hereditary; Tumor predisposition; Hereditary Cancer Syndrome. Identifiers: Orphanet 140162, MedGen C0027672, MeSH D009386, MONDO:0015356.
Hereditary diffuse gastric adenocarcinoma (HDGC). Also called: DIFFUSE GASTRIC AND LOBULAR BREAST CANCER SYNDROME. Identifiers: Orphanet 26106, MedGen C1708349, MONDO:0007648, OMIM 137215.

Submissions (4):

Labcorp Genetics (formerly Invitae), Labcorp
Classification: Pathogenic. Last evaluated: 2025-11-05. Review status: criteria provided, single submitter. Criteria: Invitae Variant Classification Sherloc (09022015). Collection method: clinical testing. Allele origin: germline.
Comment: This sequence change creates a premature translational stop signal (p.Gln657*) in the CTNNA1 gene. It is expected to result in an absent or disrupted protein product. Loss-of-function variants in CTNNA1 are known to be pathogenic (PMID: 32051609, 34425242). This variant is not present in population databases (gnomAD no frequency). This premature translational stop signal has been observed in individual(s) with clinical features of retinitis pigmentosa (internal data). ClinVar contains an entry for this variant (Variation ID: 1038840). For these reasons, this variant has been classified as Pathogenic.

Ambry Genetics
Classification: Pathogenic for Hereditary cancer-predisposing syndrome. Last evaluated: 2025-05-30. Review status: criteria provided, single submitter. Criteria: Ambry Variant Classification Scheme 2023. Collection method: clinical testing. Allele origin: germline.
Comment: The p.Q657* pathogenic mutation (also known as c.1969C>T), located in coding exon 13 of the CTNNA1 gene, results from a C to T substitution at nucleotide position 1969. This changes the amino acid from a glutamine to a stop codon within coding exon 13. This variant is considered to be rare based on population cohorts in the Genome Aggregation Database (gnomAD). This alteration is expected to result in loss of function by premature protein truncation or nonsense-mediated mRNA decay. As such, this alteration is interpreted as a disease-causing mutation.

Myriad Genetics, Inc.
Classification: Pathogenic for Hereditary diffuse gastric adenocarcinoma. Last evaluated: 2023-07-05. Review status: criteria provided, single submitter. Criteria: Myriad Autosomal Dominant, Autosomal Recessive and X-Linked Classification Criteria (2023). Collection method: clinical testing. Allele origin: unknown.
Comment: This variant is considered pathogenic. This variant creates a termination codon and is predicted to result in premature protein truncation.

Blueprint Genetics
Classification: Uncertain significance. Last evaluated: 2019-09-19. Review status: criteria provided, single submitter. Criteria: ACMG Guidelines, 2015. Collection method: clinical testing. Allele origin: germline.

Literature cited by the submitters: PubMed 32051609 (cited by Labcorp Genetics (formerly Invitae), Labcorp); PubMed 34425242 (cited by Labcorp Genetics (formerly Invitae), Labcorp).

NM_001903.5(CTNNA1):c.1969C>T (p.Gln657Ter)

Gene: CTNNA1 (catenin alpha 1; plus strand). Cytogenetic location: 5q31.2.
Variant type: single nucleotide variant.
Coding change: c.1969C>T on transcript NM_001903.5 (MANE Select); coding-DNA position 1969, C replaced by T.
Protein change: p.Gln657Ter; replaces glutamine 657 with a stop codon.
Molecular consequence: nonsense.
Genome position (GRCh38, 1-based): chr5:138,929,315, C>T. VCF-style: chr5-138929315-C-T. GRCh37 (hg19) VCF-style: chr5-138265004-C-T.
Other names: c.1969C>T, p.Gln657Ter (NM_001290307.3, NM_001323982.2, NM_001323983.1 and 2 more transcripts); c.1660C>T, p.Gln554Ter (NM_001290309.3); c.1600C>T, p.Gln534Ter (NM_001290310.3); c.859C>T, p.Gln287Ter (NM_001290312.1, NM_001323987.1, NM_001323988.1 and 17 more transcripts); c.1876C>T, p.Gln626Ter (NM_001323986.2); c.520C>T, p.Gln174Ter (NM_001324006.1, NM_001324007.1, NM_001324008.1 and 2 more transcripts); c.766C>T, p.Gln256Ter (NM_001324011.1); c.616C>T, p.Gln206Ter (NM_001324012.1, NM_001324013.1); short protein forms Q657*, Q174*, Q256*, Q287*, Q206*, Q534*, Q554*, Q626*.
Identifiers: ClinVar variation 1038840 (VCV001038840.12), dbSNP rs1764805365, ClinGen allele CA361132830.